The following is an entry in ClinVar:

ClinVar aggregate classification (germline): Uncertain significance (1 of 4 stars; one submission).

Allele frequency attached by ClinVar (database versions not stated): gnomAD exomes below 0.00001.
gnomAD v4.1: 2 of 1,614,008 alleles (0.00012%); highest among the groups gnomAD compares: African/African-American, 0.0027%; no homozygotes.

Submission:

Labcorp Genetics (formerly Invitae), Labcorp
Classification: Uncertain significance. Last evaluated: 2023-10-07. Review status: criteria provided, single submitter. Criteria: Invitae Variant Classification Sherloc (09022015). Collection method: clinical testing. Allele origin: germline.
Comment: This sequence change replaces leucine, which is neutral and non-polar, with isoleucine, which is neutral and non-polar, at codon 735 of the ITGB3 protein (p.Leu735Ile). This variant is not present in population databases (gnomAD no frequency). This variant has not been reported in the literature in individuals affected with ITGB3-related conditions. Advanced modeling of protein sequence and biophysical properties (such as structural, functional, and spatial information, amino acid conservation, physicochemical variation, residue mobility, and thermodynamic stability) performed at Invitae indicates that this missense variant is not expected to disrupt ITGB3 protein function. In summary, the available evidence is currently insufficient to determine the role of this variant in disease. Therefore, it has been classified as a Variant of Uncertain Significance.

NM_000212.3(ITGB3):c.2203C>A (p.Leu735Ile)

Genes: EFCAB13-DT (EFCAB13 divergent transcript; minus strand), ITGB3 (integrin subunit beta 3; plus strand). Cytogenetic location: 17q21.32.
Variant type: single nucleotide variant.
Coding change: c.2203C>A on transcript NM_000212.3 (MANE Select); coding-DNA position 2203, C replaced by A.
Protein change: p.Leu735Ile; replaces leucine 735 with isoleucine.
Molecular consequence: missense variant.
Genome position (GRCh38, 1-based): chr17:47,307,539, C>A. VCF-style: chr17-47307539-C-A. GRCh37 (hg19) VCF-style: chr17-45384905-C-A.
Other names: short protein forms L735I.
Identifiers: ClinVar variation 2901925 (VCV002901925.3), dbSNP rs1316993508, ClinGen allele CA400034124.